The following is an entry in ClinVar:

NM_001378609.3(OTOGL):c.4941A>G (p.Val1647=)

Gene: OTOGL (otogelin like; plus strand). Cytogenetic location: 12q21.31.
Variant type: single nucleotide variant.
Coding change: c.4941A>G on transcript NM_001378609.3 (MANE Select); coding-DNA position 4941, A replaced by G.
Protein change: p.Val1647=; no amino-acid change (valine 1647 retained).
Molecular consequence: synonymous variant.
Genome position (GRCh38, 1-based): chr12:80,339,155, A>G. VCF-style: chr12-80339155-A-G. GRCh37 (hg19) VCF-style: chr12-80732935-A-G.
Other names: c.4806A>G, p.Val1602= (NM_001368062.3); c.4941A>G, p.Val1647= (NM_001378610.3, NM_173591.7); c.4914A>G (NM_173591.3).
Identifiers: ClinVar variation 4743490 (VCV004743490.3).

ClinVar aggregate classification (germline): Likely benign. Review status: criteria provided, multiple submitters, no conflicts (2 of 4 stars). 3 submissions from 3 submitters: Likely benign (3). Last evaluated 2025-09-04.

Conditions:
OTOGL-related disorder. Also called: OTOGL-related condition.

gnomAD v4.1: 36 of 1,610,916 alleles (0.0022%); highest among the groups gnomAD compares: East Asian, 0.0067%; no homozygotes.

Submissions (3):

PreventionGenetics, part of Exact Sciences
Classification: Likely benign for OTOGL-related condition. Last evaluated: 2025-09-04. Review status: criteria provided, single submitter. Criteria: ACMG Guidelines, 2015. Collection method: clinical testing. Allele origin: germline.
Comment: This variant is classified as likely benign based on ACMG/AMP sequence variant interpretation guidelines (Richards et al. 2015 PMID: 25741868, with internal and published modifications).

Labcorp Genetics (formerly Invitae), Labcorp
Classification: Likely benign. Last evaluated: 2025-02-27. Review status: criteria provided, single submitter. Criteria: Invitae Variant Classification Sherloc (09022015). Collection method: clinical testing. Allele origin: germline.

Blueprint Genetics
Classification: Likely benign. Last evaluated: 2024-10-23. Review status: criteria provided, single submitter. Criteria: ACMG Guidelines, 2015. Collection method: clinical testing. Allele origin: germline.